The following is an entry in ClinVar:

ClinVar aggregate classification (germline): Uncertain significance (1 of 4 stars; one submission).

Conditions:
Fanconi anemia (FA). Also called: Fanconi's anemia. Identifiers: Orphanet 84, MedGen C0015625, MeSH D005199, MONDO:0019391.

gnomAD v4.1: 2 of 1,612,978 alleles (0.00012%); highest among the groups gnomAD compares: Non-Finnish European, 0.00017%; no homozygotes.

Submission:

Labcorp Genetics (formerly Invitae), Labcorp
Classification: Uncertain significance for Fanconi anemia. Last evaluated: 2019-02-27. Review status: criteria provided, single submitter. Criteria: Invitae Variant Classification Sherloc (09022015). Collection method: clinical testing. Allele origin: germline.
Comment: In summary, the available evidence is currently insufficient to determine the role of this variant in disease. Therefore, it has been classified as a Variant of Uncertain Significance. This sequence change replaces histidine with aspartic acid at codon 1070 of the FANCD2 protein (p.His1070Asp). The histidine residue is moderately conserved and there is a moderate physicochemical difference between histidine and aspartic acid. This variant is not present in population databases (ExAC no frequency). This variant has not been reported in the literature in individuals with FANCD2-related conditions. Algorithms developed to predict the effect of missense changes on protein structure and function (SIFT, PolyPhen-2, Align-GVGD) all suggest that this variant is likely to be tolerated, but these predictions have not been confirmed by published functional studies and their clinical significance is uncertain.

NM_001018115.3(FANCD2):c.3208C>G (p.His1070Asp)

Genes: FANCD2 (FA complementation group D2; plus strand), FANCD2OS (FANCD2 opposite strand; minus strand). Cytogenetic location: 3p25.3.
Variant type: single nucleotide variant.
Coding change: c.3208C>G on transcript NM_001018115.3 (MANE Select); coding-DNA position 3208, C replaced by G.
Protein change: p.His1070Asp; replaces histidine 1070 with aspartic acid.
Molecular consequence: missense variant. On other transcripts: 3 prime UTR variant (1).
Genome position (GRCh38, 1-based): chr3:10,081,448, C>G. VCF-style: chr3-10081448-C-G. GRCh37 (hg19) VCF-style: chr3-10123132-C-G.
Other names: c.*127G>C (NM_173472.2); c.3208C>G, p.His1070Asp (NM_001319984.2, NM_001374254.1, NM_033084.6); c.3097C>G, p.His1033Asp (NM_001374253.1); short protein forms H1070D, H1033D.
Identifiers: ClinVar variation 838214 (VCV000838214.10), dbSNP rs201184977, ClinGen allele CA351749004.